The following is an entry in ClinVar:

ClinVar aggregate classification (germline): Uncertain significance. Review status: criteria provided, multiple submitters, no conflicts (2 of 4 stars). 2 submissions from 2 submitters: Uncertain significance (2). Last evaluated 2025-07-24.

Conditions:
Familial infantile myasthenia (CMS6). Also called: MYASTHENIC SYNDROME, CONGENITAL, 6, PRESYNAPTIC; Congenital myasthenic syndrome type 6; MYASTHENIC SYNDROME, PRESYNAPTIC, CONGENITAL, ASSOCIATED WITH EPISODIC APNEA. Identifiers: Orphanet 590, MedGen C0393929, MONDO:0009689, OMIM 254210.

Submissions (2):

GeneDx
Classification: Uncertain significance. Last evaluated: 2025-07-24. Review status: criteria provided, single submitter. Criteria: GeneDx Variant Classification Process June 2021. Collection method: clinical testing. Allele origin: germline. Affected: yes.
Comment: Not observed at significant frequency in large population cohorts (gnomAD); In silico analysis supports that this missense variant has a deleterious effect on protein structure/function; Has not been previously published as pathogenic or benign to our knowledge; This variant is associated with the following publications: (PMID: 26080897)

Labcorp Genetics (formerly Invitae), Labcorp
Classification: Uncertain significance for Familial infantile myasthenia. Last evaluated: 2022-01-11. Review status: criteria provided, single submitter. Criteria: Invitae Variant Classification Sherloc (09022015). Collection method: clinical testing. Allele origin: germline.
Comment: This sequence change replaces valine, which is neutral and non-polar, with alanine, which is neutral and non-polar, at codon 430 of the CHAT protein (p.Val430Ala). This variant is not present in population databases (gnomAD no frequency). This variant has not been reported in the literature in individuals affected with CHAT-related conditions. Algorithms developed to predict the effect of missense changes on protein structure and function (SIFT, PolyPhen-2, Align-GVGD) all suggest that this variant is likely to be disruptive. In summary, the available evidence is currently insufficient to determine the role of this variant in disease. Therefore, it has been classified as a Variant of Uncertain Significance.

NM_020549.5(CHAT):c.1289T>C (p.Val430Ala)

Gene: CHAT (choline O-acetyltransferase; plus strand). Cytogenetic location: 10q11.23.
Variant type: single nucleotide variant.
Coding change: c.1289T>C on transcript NM_020549.5 (MANE Select); coding-DNA position 1289, T replaced by C.
Protein change: p.Val430Ala; replaces valine 430 with alanine.
Molecular consequence: missense variant.
Genome position (GRCh38, 1-based): chr10:49,648,514, T>C. VCF-style: chr10-49648514-T-C. GRCh37 (hg19) VCF-style: chr10-50856560-T-C.
Other names: c.935T>C, p.Val312Ala (NM_001142929.2, NM_001142934.2, NM_020984.4 and 2 more transcripts); c.1043T>C, p.Val348Ala (NM_001142933.2); c.1289T>C (NM_020549.4); short protein forms V312A, V348A, V430A.
Identifiers: ClinVar variation 1899184 (VCV001899184.3), dbSNP rs2538860649, ClinGen allele CA376742356.